The following is an entry in ClinVar:

NM_015557.3(CHD5):c.285G>T (p.Pro95=)

Gene: CHD5 (chromodomain helicase DNA binding protein 5; minus strand). Cytogenetic location: 1p36.31.
Variant type: single nucleotide variant.
Coding change: c.285G>T on transcript NM_015557.3 (MANE Select); coding-DNA position 285, G replaced by T.
Protein change: p.Pro95=; no amino-acid change (proline 95 retained).
Molecular consequence: synonymous variant.
Genome position (GRCh38, 1-based): chr1:6,159,438, C>A on the plus strand (G>T on the coding strand, the complement: CHD5 is on the minus strand). VCF-style: chr1-6159438-C-A. GRCh37 (hg19) VCF-style: chr1-6219498-C-A.
Identifiers: ClinVar variation 4871923 (VCV004871923.2).
Genomic context (GRCh38, chr1:6,159,438, plus strand): 5'-CTTTTTTCGCTTGGCTTTTTTCTCCTTCTTGTCCTTGAGTTTCTTCTTCTTCTTTTTATT[C>A]GGGGAGTAGTCACTGCCTTCACTCTCCGACTTCTCTTCCAGATCCTCTTCATTCTCTGAT-3'
Protein context (NP_056372.1, residues 85-105): KSESEGSDYS[Pro95=]NKKKKKKLKD

ClinVar aggregate classification (germline): Likely benign (1 of 4 stars; one submission).

gnomAD v4.1: 39 of 1,579,524 alleles (0.0025%); highest among the groups gnomAD compares: Non-Finnish European, 0.0033%; no homozygotes.

Submission:

CeGaT Center for Human Genetics Tuebingen
Classification: Likely benign. Last evaluated: 2026-06-01. Review status: criteria provided, single submitter. Criteria: CeGaT Center For Human Genetics Tuebingen Variant Classification Criteria Version 2. Collection method: clinical testing. Allele origin: germline. Affected: yes. Observed: 1 variant allele.
Comment: CHD5: BP4, BP7